The following is an entry in ClinVar:

NM_015215.4(CAMTA1):c.4667G>A (p.Arg1556His)

Gene: CAMTA1 (calmodulin binding transcription activator 1; plus strand). Cytogenetic location: 1p36.23.
Variant type: single nucleotide variant.
Coding change: c.4667G>A on transcript NM_015215.4 (MANE Select); coding-DNA position 4667, G replaced by A.
Protein change: p.Arg1556His; replaces arginine 1556 with histidine.
Molecular consequence: missense variant.
Genome position (GRCh38, 1-based): chr1:7,747,759, G>A. VCF-style: chr1-7747759-G-A. GRCh37 (hg19) VCF-style: chr1-7807819-G-A.
Other names: c.4577G>A, p.Arg1526His (NM_001349608.2); c.4328G>A, p.Arg1443His (NM_001349609.2, NM_001349610.2, NM_001410737.1); c.4238G>A, p.Arg1413His (NM_001349612.2); c.1796G>A, p.Arg599His (NM_001349613.1); c.1739G>A, p.Arg580His (NM_001349614.1, NM_001349615.2, NM_001349616.2 and 2 more transcripts); c.1400G>A, p.Arg467His (NM_001349619.2, NM_001349620.1, NM_001349621.1 and 5 more transcripts); c.4256G>A, p.Arg1419His (NM_001410738.1); short protein forms R1413H, R1526H, R1556H, R1419H, R1443H, R467H, R599H, R580H.
Identifiers: ClinVar variation 1898498 (VCV001898498.6), dbSNP rs1233149008, ClinGen allele CA338142743.

ClinVar aggregate classification (germline): Uncertain significance. Review status: criteria provided, multiple submitters, no conflicts (2 of 4 stars). 2 submissions from 2 submitters: Uncertain significance (2). Last evaluated 2025-06-14.

Conditions:
Inborn genetic diseases. Identifiers: MedGen C0950123, MeSH D030342.

Allele frequency attached by ClinVar (database versions not stated): gnomAD 0.00001; gnomAD exomes 0.00001; TOPMed 0.00001.
gnomAD v4.1: 12 of 1,612,408 alleles (0.00074%); highest among the groups gnomAD compares: Admixed American, 0.0067%; no homozygotes.

Submissions (2):

Labcorp Genetics (formerly Invitae), Labcorp
Classification: Uncertain significance. Last evaluated: 2025-06-14. Review status: criteria provided, single submitter. Criteria: Invitae Variant Classification Sherloc (09022015). Collection method: clinical testing. Allele origin: germline.
Comment: This sequence change replaces arginine, which is basic and polar, with histidine, which is basic and polar, at codon 1556 of the CAMTA1 protein (p.Arg1556His). This variant is present in population databases (no rsID available, gnomAD 0.009%). This variant has not been reported in the literature in individuals affected with CAMTA1-related conditions. ClinVar contains an entry for this variant (Variation ID: 1898498). Invitae Evidence Modeling of protein sequence and biophysical properties (such as structural, functional, and spatial information, amino acid conservation, physicochemical variation, residue mobility, and thermodynamic stability) has been performed for this missense variant. However, the output from this modeling did not meet the statistical confidence thresholds required to predict the impact of this variant on CAMTA1 protein function. In summary, the available evidence is currently insufficient to determine the role of this variant in disease. Therefore, it has been classified as a Variant of Uncertain Significance.

Ambry Genetics
Classification: Uncertain significance for Inborn genetic diseases. Last evaluated: 2022-08-02. Review status: criteria provided, single submitter. Criteria: Ambry Variant Classification Scheme 2023. Collection method: clinical testing. Allele origin: germline.